The following is an entry in ClinVar:

ClinVar aggregate classification (germline): Uncertain significance (1 of 4 stars; one submission).

Conditions:
DPAGT1-congenital disorder of glycosylation. Also called: DPAGT1-CDG; CONGENITAL DISORDER OF GLYCOSYLATION, TYPE Ij; CDG Ij. Identifiers: Orphanet 86309, MedGen C2931004, MONDO:0011964, OMIM 608093.
Congenital myasthenic syndrome 13 (CMS13). Also called: Myasthenic syndrome, congenital, 13, with tubular aggregates; Myasthenic syndrome, congenital, with tubular aggregates 2. Identifiers: Orphanet 353327, Orphanet 590, MedGen C3553645, MONDO:0013883, OMIM 614750.

Allele frequency attached by ClinVar (database versions not stated): ExAC 0.00001; ESP Exome Variant Server 0.00008; gnomAD exomes below 0.00001 and 0.00001; gnomAD 0.00001; TOPMed 0.00001.

Submission:

Labcorp Genetics (formerly Invitae), Labcorp
Classification: Uncertain significance for Congenital myasthenic syndrome 13; DPAGT1-congenital disorder of glycosylation. Last evaluated: 2022-08-05. Review status: criteria provided, single submitter. Criteria: Invitae Variant Classification Sherloc (09022015). Collection method: clinical testing. Allele origin: germline.
Comment: Algorithms developed to predict the effect of sequence changes on RNA splicing suggest that this variant may create or strengthen a splice site. In summary, the available evidence is currently insufficient to determine the role of this variant in disease. Therefore, it has been classified as a Variant of Uncertain Significance. ClinVar contains an entry for this variant (Variation ID: 654609). Algorithms developed to predict the effect of missense changes on protein structure and function (SIFT, PolyPhen-2, Align-GVGD) all suggest that this variant is likely to be disruptive. This variant has not been reported in the literature in individuals affected with DPAGT1-related conditions. This sequence change replaces leucine, which is neutral and non-polar, with glutamine, which is neutral and polar, at codon 120 of the DPAGT1 protein (p.Leu120Gln). This variant is present in population databases (rs368415403, gnomAD 0.0009%).

NM_001382.4(DPAGT1):c.359T>A (p.Leu120Gln)

Gene: DPAGT1 (dolichyl-phosphate N-acetylglucosaminephosphotransferase 1; minus strand). Cytogenetic location: 11q23.3.
Variant type: single nucleotide variant.
Coding change: c.359T>A on transcript NM_001382.4 (MANE Select); coding-DNA position 359, T replaced by A.
Protein change: p.Leu120Gln; replaces leucine 120 with glutamine.
Molecular consequence: missense variant.
Genome position (GRCh38, 1-based): chr11:119,100,767, A>T on the plus strand (T>A on the coding strand, the complement: DPAGT1 is on the minus strand). VCF-style: chr11-119100767-A-T. GRCh37 (hg19) VCF-style: chr11-118971477-A-T.
Other names: short protein forms L120Q.
Identifiers: ClinVar variation 654609 (VCV000654609.8), dbSNP rs368415403, ClinGen allele CA6314647.